The following is an entry in ClinVar:

ClinVar aggregate classification (germline): Uncertain significance. Review status: criteria provided, multiple submitters, no conflicts (2 of 4 stars). 4 submissions from 4 submitters: Uncertain significance (3). 1 of the submissions does not count toward it. Last evaluated 2024-12-21.

Conditions:
Marfan syndrome (MFS). Also called: MARFAN SYNDROME, TYPE I; FBN1-Related Marfan Syndrome; Marfan syndrome type 1; Marfan's syndrome; Marfan syndrome, classic. Identifiers: Orphanet 284963, Orphanet 558, MedGen C0024796, MONDO:0007947, OMIM 154700.
Familial thoracic aortic aneurysm and aortic dissection (TAAD). Also called: Thoracic aortic aneurysms and dissections. Identifiers: Orphanet 91387, MedGen C4707243, MONDO:0019625.

Allele frequency attached by ClinVar (database versions not stated): gnomAD exomes below 0.00001.
gnomAD v4.1: 2 of 1,614,164 alleles (0.00012%); highest among the groups gnomAD compares: Non-Finnish European, 0.00017%; no homozygotes.

Submissions (4):

GeneDx
Classification: Uncertain significance. Last evaluated: 2024-12-21. Review status: criteria provided, single submitter. Criteria: GeneDx Variant Classification Process June 2021. Collection method: clinical testing. Allele origin: germline.
Comment: Not observed at significant frequency in large population cohorts (gnomAD); In silico analysis supports that this missense variant has a deleterious effect on protein structure/function; This variant is associated with the following publications: (PMID: 31730815)

Color Diagnostics, LLC DBA Color Health
Classification: Uncertain significance for Familial thoracic aortic aneurysm and aortic dissection. Last evaluated: 2024-11-18. Review status: criteria provided, single submitter. Criteria: ACMG Guidelines, 2015. Collection method: clinical testing. Allele origin: germline.
Comment: This missense variant replaces arginine with glycine at codon 327 of the FBN1 protein. Computational prediction tool is inconclusive regarding the impact of this variant on protein structure and function. To our knowledge, functional studies have not been reported for this variant. This variant has been reported in an individual affected with Marfan syndrome (PMID: 31730815). It has also been reported in an individual affected with sudden cardiac death (PMID: 39285490). This variant has not been identified in the general population by the Genome Aggregation Database (gnomAD). The available evidence is insufficient to determine the role of this variant in disease conclusively. Therefore, this variant is classified as a Variant of Uncertain Significance.

Labcorp Genetics (formerly Invitae), Labcorp
Classification: Uncertain significance for Marfan syndrome; Familial thoracic aortic aneurysm and aortic dissection. Last evaluated: 2023-03-26. Review status: criteria provided, single submitter. Criteria: Invitae Variant Classification Sherloc (09022015). Collection method: clinical testing. Allele origin: germline.
Comment: In summary, the available evidence is currently insufficient to determine the role of this variant in disease. Therefore, it has been classified as a Variant of Uncertain Significance. Advanced modeling of protein sequence and biophysical properties (such as structural, functional, and spatial information, amino acid conservation, physicochemical variation, residue mobility, and thermodynamic stability) has been performed at Invitae for this missense variant, however the output from this modeling did not meet the statistical confidence thresholds required to predict the impact of this variant on FBN1 protein function. ClinVar contains an entry for this variant (Variation ID: 684575). This missense change has been observed in individual(s) with clinical features of Marfan syndrome (PMID: 31730815; Invitae). This variant is not present in population databases (gnomAD no frequency). This sequence change replaces arginine, which is basic and polar, with glycine, which is neutral and non-polar, at codon 327 of the FBN1 protein (p.Arg327Gly).

Sangiuolo Lab - Medical Genetics Laboratory, Tor Vergata University
Classification: Likely pathogenic for Marfan syndrome. Last evaluated: 2019-06-06. Review status: no assertion criteria provided. Collection method: clinical testing. Allele origin: germline. Affected: yes. Not counted in ClinVar's aggregate classification.

Literature cited by the submitters: PubMed 31730815 (cited by 3 submitters); PubMed 39285490 (cited by Color Diagnostics, LLC DBA Color Health).

NM_000138.5(FBN1):c.979A>G (p.Arg327Gly)

Gene: FBN1 (fibrillin 1; minus strand). Cytogenetic location: 15q21.1.
Variant type: single nucleotide variant.
Coding change: c.979A>G on transcript NM_000138.5 (MANE Select); coding-DNA position 979, A replaced by G.
Protein change: p.Arg327Gly; replaces arginine 327 with glycine.
Molecular consequence: missense variant.
Genome position (GRCh38, 1-based): chr15:48,526,139, T>C on the plus strand (A>G on the coding strand, the complement: FBN1 is on the minus strand). VCF-style: chr15-48526139-T-C. GRCh37 (hg19) VCF-style: chr15-48818336-T-C.
Other names: short protein forms R327G.
Identifiers: ClinVar variation 684575 (VCV000684575.7), dbSNP rs1597587453, ClinGen allele CA392349534.